The following is an entry in ClinVar:

ClinVar aggregate classification (germline): Uncertain significance. Review status: criteria provided, multiple submitters, no conflicts (2 of 4 stars). 2 submissions from 2 submitters: Uncertain significance (2). Last evaluated 2024-01-19.

Conditions:
Developmental and epileptic encephalopathy, 33 (DEE33). Also called: Epileptic encephalopathy, early infantile, 33. Identifiers: Orphanet 442835, MedGen C4225337, MONDO:0014625, OMIM 616409.

Allele frequency attached by ClinVar (database versions not stated): gnomAD exomes 0.00001; ExAC 0.00009.

Submissions (2):

Labcorp Genetics (formerly Invitae), Labcorp
Classification: Uncertain significance for Developmental and epileptic encephalopathy, 33. Last evaluated: 2024-01-19. Review status: criteria provided, single submitter. Criteria: Invitae Variant Classification Sherloc (09022015). Collection method: clinical testing. Allele origin: germline.
Comment: This sequence change replaces alanine, which is neutral and non-polar, with valine, which is neutral and non-polar, at codon 461 of the EEF1A2 protein (p.Ala461Val). The frequency data for this variant in the population databases is considered unreliable, as metrics indicate poor data quality at this position in the gnomAD database. This variant has not been reported in the literature in individuals affected with EEF1A2-related conditions. ClinVar contains an entry for this variant (Variation ID: 384354). Advanced modeling of protein sequence and biophysical properties (such as structural, functional, and spatial information, amino acid conservation, physicochemical variation, residue mobility, and thermodynamic stability) has been performed at Invitae for this missense variant, however the output from this modeling did not meet the statistical confidence thresholds required to predict the impact of this variant on EEF1A2 protein function. Algorithms developed to predict the effect of sequence changes on RNA splicing suggest that this variant may create or strengthen a splice site. In summary, the available evidence is currently insufficient to determine the role of this variant in disease. Therefore, it has been classified as a Variant of Uncertain Significance.

GeneDx
Classification: Uncertain significance. Last evaluated: 2023-10-27. Review status: criteria provided, single submitter. Criteria: GeneDx Variant Classification Process June 2021. Collection method: clinical testing. Allele origin: germline. Affected: yes.
Comment: In silico analysis supports that this missense variant does not alter protein structure/function; Has not been previously published as pathogenic or benign to our knowledge; In silico analysis suggests this variant may impact gene splicing. In the absence of RNA/functional studies, the actual effect of this sequence change is unknown.

NM_001958.5(EEF1A2):c.1382C>T (p.Ala461Val)

Gene: EEF1A2 (eukaryotic translation elongation factor 1 alpha 2; minus strand). Cytogenetic location: 20q13.33.
Variant type: single nucleotide variant.
Coding change: c.1382C>T on transcript NM_001958.5 (MANE Select); coding-DNA position 1382, C replaced by T.
Protein change: p.Ala461Val; replaces alanine 461 with valine.
Molecular consequence: missense variant.
Genome position (GRCh38, 1-based): chr20:63,488,308, G>A on the plus strand (C>T on the coding strand, the complement: EEF1A2 is on the minus strand). VCF-style: chr20-63488308-G-A. GRCh37 (hg19) VCF-style: chr20-62119661-G-A.
Other names: short protein forms A461V.
Identifiers: ClinVar variation 384354 (VCV000384354.11), dbSNP rs757556226, ClinGen allele CA9958912.
Genomic context (GRCh38, chr20:63,488,308, plus strand): 5'-GTTCGGAGCGCGGCACCGCCGGGGAGGGTCGCGCCGCGGGCGCCCGCGCTTCACTTGCCC[G>A]CCTTCTGCGCCTTCTGCGCCGACTTGGTGACCTTGCCGGCGCCGCCGCTCTTCTTCTCCA-3'
Protein context (NP_001949.1, residues 451-463): VTKSAQKAQK[Ala461Val]GK